The following is an entry in ClinVar:

NM_001083962.2(TCF4):c.652C>T (p.Gln218Ter)

Gene: TCF4 (transcription factor 4; minus strand). Cytogenetic location: 18q21.2.
Variant type: single nucleotide variant.
Coding change: c.652C>T on transcript NM_001083962.2 (MANE Select); coding-DNA position 652, C replaced by T.
Protein change: p.Gln218Ter; replaces glutamine 218 with a stop codon.
Molecular consequence: nonsense.
Genome position (GRCh38, 1-based): chr18:55,279,554, G>A on the plus strand (C>T on the coding strand, the complement: TCF4 is on the minus strand). VCF-style: chr18-55279554-G-A. GRCh37 (hg19) VCF-style: chr18-52946785-G-A.
Other names: c.958C>T, p.Gln320Ter (NM_001243226.3); c.439C>T, p.Gln147Ter (NM_001306208.1, NM_001243232.1); c.652C>T, p.Gln218Ter (NM_001330604.3, NM_001369574.1, NM_003199.3 and 4 more transcripts); c.262C>T, p.Gln88Ter (NM_001330605.3, NM_001348212.2, NM_001348213.2 and 1 more transcripts); c.526C>T, p.Gln176Ter (NM_001348211.2, NM_001243231.2); c.172C>T, p.Gln58Ter (NM_001348214.2, NM_001348216.2, NM_001243234.2 and 2 more transcripts); c.4C>T, p.Gln2Ter (NM_001348215.2); c.649C>T, p.Gln217Ter (NM_001369573.1, NM_001369569.1, NM_001369570.1); and 4 more; short protein forms Q218*, Q176*, Q217*, Q320*, Q2*, Q147*, Q193*, Q216*.
Identifiers: ClinVar variation 424196 (VCV000424196.10), dbSNP rs1064796853, ClinGen allele CA16620716.
Genomic context (GRCh38, chr18:55,279,554, plus strand): 5'-AGTGACCCAGGAAAATGCTATCCAGTGGCCTTTCCCTCAGAAGCAGCAGCATCTTACCTT[G>A]CATGAAGAAGGAGCTAGGGAAAGTGCTGGTTGCTGGTTTGGAGGAAGGATAGCCTGGCGA-3'

ClinVar aggregate classification (germline): Pathogenic. Review status: criteria provided, multiple submitters, no conflicts (2 of 4 stars). 4 submissions from 4 submitters: Pathogenic (4). Last evaluated 2025-10-22.

Conditions:
Pitt-Hopkins syndrome (PTHS). Also called: ENCEPHALOPATHY, SEVERE EPILEPTIC, WITH AUTONOMIC DYSFUNCTION; MENTAL RETARDATION, SYNDROMAL, WITH INTERMITTENT HYPERVENTILATION. Identifiers: Orphanet 2896, MedGen C1970431, MONDO:0012589, OMIM 610954.

Submissions (4):

Genetics and Genomic Medicine Centre, NeuroGen Healthcare, NeuroGen Healthcare
Classification: Pathogenic for Pitt-Hopkins syndrome. Last evaluated: 2025-10-22. Review status: criteria provided, single submitter. Criteria: ACMG Guidelines, 2015. Collection method: clinical testing. Allele origin: unknown. Affected: yes.

Labcorp Genetics (formerly Invitae), Labcorp
Classification: Pathogenic for Pitt-Hopkins syndrome. Last evaluated: 2025-05-22. Review status: criteria provided, single submitter. Criteria: Invitae Variant Classification Sherloc (09022015). Collection method: clinical testing. Allele origin: germline.
Comment: This sequence change creates a premature translational stop signal (p.Gln218*) in the TCF4 gene. It is expected to result in an absent or disrupted protein product. Loss-of-function variants in TCF4 are known to be pathogenic (PMID: 18728071, 22045651). This variant is not present in population databases (gnomAD no frequency). This premature translational stop signal has been observed in individual(s) with clinical features of Pitt-Hopkins syndrome (PMID: 33057194, 33528536). ClinVar contains an entry for this variant (Variation ID: 424196). For these reasons, this variant has been classified as Pathogenic.

Genetic Services Laboratory, University of Chicago
Classification: Pathogenic. Last evaluated: 2018-12-05. Review status: criteria provided, single submitter. Criteria: ACMG Guidelines, 2015. Collection method: clinical testing. Allele origin: germline. Affected: yes.
Comment: DNA sequence analysis of the TCF4 gene demonstrated a sequence change, c.652C>T, which results in the creation of a premature stop codon at amino acid position, p.Gln218*. This pathogenic sequence change is predicted to result in an abnormal transcript, which is likely to be degraded. This sequence change does not appear to have been previously described in patients with TCF4-related disorder and has also not been described as a known benign sequence change in the TCF4 gene. We classify the above variant as pathogenic.

GeneDx
Classification: Pathogenic. Last evaluated: 2017-03-13. Review status: criteria provided, single submitter. Criteria: GeneDx Variant Classification (06012015). Collection method: clinical testing. Allele origin: germline. Affected: yes.
Comment: The Q218X variant in the TCF4 gene has not been reported previously as a pathogenic variant nor as a benign variant, to our knowledge. This variant is predicted to cause loss of normal protein function either through protein truncation or nonsense-mediated mRNA decay. The Q218X variant is not observed in large population cohorts (Lek et al., 2016; 1000 Genomes Consortium et al., 2015; Exome Variant Server). We interpret Q218X as a pathogenic variant.

Literature cited by the submitters: PubMed 18728071 (cited by Labcorp Genetics (formerly Invitae), Labcorp); PubMed 22045651 (cited by Labcorp Genetics (formerly Invitae), Labcorp); PubMed 33057194 (cited by Labcorp Genetics (formerly Invitae), Labcorp); PubMed 33528536 (cited by Labcorp Genetics (formerly Invitae), Labcorp).